The following is an entry in ClinVar:

ClinVar aggregate classification (germline): Conflicting classifications of pathogenicity. Review status: criteria provided, conflicting classifications (1 of 4 stars). 5 submissions from 5 submitters: Uncertain significance (3); Likely benign (1). 1 of the submissions does not count toward it. Last evaluated 2024-01-08.

Conditions:
Familial cancer of breast. Also called: BREAST CANCER, FAMILIAL; Hereditary breast cancer; hereditary breast carcinoma. Identifiers: Orphanet 227535, MedGen C0346153, MONDO:0016419, OMIM 114480. Disease mechanism: loss of function.
Hereditary cancer-predisposing syndrome. Also called: Neoplastic Syndromes, Hereditary; Tumor predisposition; Hereditary Cancer Syndrome; Hereditary neoplastic syndrome. Identifiers: Orphanet 140162, MedGen C0027672, MeSH D009386, MONDO:0015356.
Hereditary breast ovarian cancer syndrome. Also called: Hereditary breast and ovarian cancer syndrome; Hereditary breast and ovarian cancer; Hereditary breast and ovarian cancer syndrome (HBOC); Breast and ovarian cancer; Hereditary breast and/or ovarian cancer syndrome; BRCA1- and BRCA2-Associated Hereditary Breast and Ovarian Cancer. Identifiers: Orphanet 145, MedGen C0677776, MeSH D061325, MONDO:0003582. Disease mechanism: loss of function.

Submissions (5):

Labcorp Genetics (formerly Invitae), Labcorp
Classification: Uncertain significance for Hereditary breast ovarian cancer syndrome. Last evaluated: 2024-01-08. Review status: criteria provided, single submitter. Criteria: Invitae Variant Classification Sherloc (09022015). Collection method: clinical testing. Allele origin: germline.
Comment: This sequence change replaces asparagine, which is neutral and polar, with serine, which is neutral and polar, at codon 656 of the BRCA1 protein (p.Asn656Ser). This variant is not present in population databases (gnomAD no frequency). This missense change has been observed in individual(s) with breast cancer (PMID: 12872263). This variant is also known as 2086A>G. ClinVar contains an entry for this variant (Variation ID: 54422). Advanced modeling of protein sequence and biophysical properties (such as structural, functional, and spatial information, amino acid conservation, physicochemical variation, residue mobility, and thermodynamic stability) performed at Invitae indicates that this missense variant is not expected to disrupt BRCA1 protein function with a negative predictive value of 95%. In summary, the available evidence is currently insufficient to determine the role of this variant in disease. Therefore, it has been classified as a Variant of Uncertain Significance.

University of Washington Department of Laboratory Medicine, University of Washington
Classification: Likely benign for Hereditary cancer-predisposing syndrome. Last evaluated: 2023-03-23. Review status: criteria provided, single submitter. Criteria: Dines et al. (Genet Med. 2020). Collection method: curation. Allele origin: germline.
Comment: Missense variant in a coldspot region where missense variants are very unlikely to be pathogenic (PMID:31911673).

BRCA1 coldspot (exon 11 using historical exon numbering). Reclassification based on statistical prior probability

Color Diagnostics, LLC DBA Color Health
Classification: Uncertain significance for Hereditary cancer-predisposing syndrome. Last evaluated: 2019-04-05. Review status: criteria provided, single submitter. Criteria: ACMG Guidelines, 2015. Collection method: clinical testing. Allele origin: germline.

Ambry Genetics
Classification: Uncertain significance for Hereditary cancer-predisposing syndrome. Last evaluated: 2018-12-07. Review status: criteria provided, single submitter. Criteria: Ambry Variant Classification Scheme 2023. Collection method: clinical testing. Allele origin: germline.

ClinVar Staff, National Center for Biotechnology Information (NCBI)
No classification provided. Condition: Familial cancer of breast. Review status: no classification provided. Collection method: literature only. Allele origin: germline. Affected: yes. Not counted in ClinVar's aggregate classification.

Literature cited by the submitters: PubMed 12872263 (cited by Labcorp Genetics (formerly Invitae), Labcorp and ClinVar Staff, National Center for Biotechnology Information (NCBI)).

NM_007294.4(BRCA1):c.1967A>G (p.Asn656Ser)

Gene: BRCA1 (BRCA1 DNA repair associated; minus strand). Cytogenetic location: 17q21.31.
Variant type: single nucleotide variant.
Coding change: c.1967A>G on transcript NM_007294.4 (MANE Select); coding-DNA position 1967, A replaced by G.
Protein change: p.Asn656Ser; replaces asparagine 656 with serine.
Molecular consequence: missense variant. On other transcripts: intron variant (137).
Genome position (GRCh38, 1-based): chr17:43,093,564, T>C on the plus strand (A>G on the coding strand, the complement: BRCA1 is on the minus strand). VCF-style: chr17-43093564-T-C. GRCh37 (hg19) VCF-style: chr17-41245581-T-C.
Other names: c.787+1180A>G (NM_001407977.1, NM_001407982.1, NM_001407970.1 and 19 more transcripts); c.646+1180A>G (NM_001408410.1, NM_001408458.1, NM_001408469.1 and 11 more transcripts); c.709+1180A>G (NM_001408415.1, NM_001408412.1, NM_001408409.1 and 2 more transcripts); c.577+1180A>G (NM_001408483.1, NM_001408481.1, NM_001408480.1 and 9 more transcripts); c.664+1180A>G (NM_001408442.1, NM_001408426.1, NM_001408436.1 and 12 more transcripts); c.1754A>G, p.Asn585Ser (NM_001407571.1, NM_001407853.1, NM_001407894.1 and 9 more transcripts); c.1967A>G, p.Asn656Ser (NM_001407581.1, NM_001407582.1, NM_001407583.1 and 30 more transcripts); c.1964A>G, p.Asn655Ser (NM_001407587.1, NM_001407590.1, NM_001407591.1 and 22 more transcripts); and 40 more; short protein forms N656S, N609S, N360S, N488S, N528S, N568S, N585S, N586S.
Identifiers: ClinVar variation 54422 (VCV000054422.20), dbSNP rs397508925, ClinGen allele CA001313.